The following is an entry in ClinVar:

NM_001999.4(FBN2):c.6717C>A (p.Cys2239Ter)

Gene: FBN2 (fibrillin 2; minus strand). Cytogenetic location: 5q23.3.
Variant type: single nucleotide variant.
Coding change: c.6717C>A on transcript NM_001999.4 (MANE Select); coding-DNA position 6717, C replaced by A.
Protein change: p.Cys2239Ter; replaces cysteine 2239 with a stop codon.
Molecular consequence: nonsense.
Genome position (GRCh38, 1-based): chr5:128,288,478, G>T on the plus strand (C>A on the coding strand, the complement: FBN2 is on the minus strand). VCF-style: chr5-128288478-G-T. GRCh37 (hg19) VCF-style: chr5-127624170-G-T.
Other names: short protein forms C2239*.
Identifiers: ClinVar variation 3898834 (VCV003898834.1).
Genomic context (GRCh38, chr5:128,288,478, plus strand): 5'-TTAAGACAAAGATCACTTGCCTTCACAATTCATCATGGGCCCTGGCTCAAAGCCTTCATT[G>T]CAATTGCATTCAAAACTCCCAATAACATTGGTGCATGTACCATTTCCACACGGATTGCCG-3'

ClinVar aggregate classification (germline): Uncertain significance (1 of 4 stars; one submission).

Submission:

GeneDx
Classification: Uncertain significance. Last evaluated: 2024-11-12. Review status: criteria provided, single submitter. Criteria: GeneDx Variant Classification Process June 2021. Collection method: clinical testing. Allele origin: germline. Affected: yes.
Comment: Not observed at significant frequency in large population cohorts (gnomAD); Nonsense variant predicted to result in protein truncation or nonsense mediated decay in a gene or region of a gene for which loss of function is not a well-established mechanism of disease; Has not been previously published as pathogenic or benign to our knowledge